The following is an entry in ClinVar:

ClinVar aggregate classification (germline): Uncertain significance (1 of 4 stars; one submission).

Conditions:
Hereditary cancer-predisposing syndrome. Also called: Tumor predisposition; Hereditary neoplastic syndrome; Neoplastic Syndromes, Hereditary; Hereditary Cancer Syndrome. Identifiers: Orphanet 140162, MedGen C0027672, MeSH D009386, MONDO:0015356.

Submission:

Ambry Genetics
Classification: Uncertain significance for Hereditary cancer-predisposing syndrome. Last evaluated: 2025-04-07. Review status: criteria provided, single submitter. Criteria: Ambry Variant Classification Scheme 2023. Collection method: clinical testing. Allele origin: germline.
Comment: The p.P1493T variant (also known as c.4477C>A), located in coding exon 22 of the DICER1 gene, results from a C to A substitution at nucleotide position 4477. The proline at codon 1493 is replaced by threonine, an amino acid with highly similar properties. This amino acid position is conserved. In addition, the in silico prediction for this alteration is inconclusive. Based on the available evidence, the clinical significance of this variant remains unclear.

NM_177438.3(DICER1):c.4477C>A (p.Pro1493Thr)

Gene: DICER1 (dicer 1, ribonuclease III; minus strand). Cytogenetic location: 14q32.13.
Variant type: single nucleotide variant.
Coding change: c.4477C>A on transcript NM_177438.3 (MANE Select); coding-DNA position 4477, C replaced by A.
Protein change: p.Pro1493Thr; replaces proline 1493 with threonine.
Molecular consequence: missense variant. On other transcripts: non-coding transcript variant (6).
Genome position (GRCh38, 1-based): chr14:95,096,443, G>T on the plus strand (C>A on the coding strand, the complement: DICER1 is on the minus strand). VCF-style: chr14-95096443-G-T. GRCh37 (hg19) VCF-style: chr14-95562780-G-T.
Other names: c.4477C>A, p.Pro1493Thr (NM_001195573.1, NM_001271282.3, NM_001291628.2 and 12 more transcripts); c.4195C>A, p.Pro1399Thr (NM_001395686.1); c.4072C>A, p.Pro1358Thr (NM_001395687.1, NM_001395688.1, NM_001395689.1 and 2 more transcripts); c.3910C>A, p.Pro1304Thr (NM_001395691.1); c.2794C>A, p.Pro932Thr (NM_001395697.1); short protein forms P1304T, P1493T, P1399T, P932T, P1358T.
Identifiers: ClinVar variation 4011621 (VCV004011621.1).